The following is an entry in ClinVar:

ClinVar aggregate classification (germline): Uncertain significance. Review status: criteria provided, single submitter (1 of 4 stars). 2 submissions from 2 submitters: Uncertain significance (1). 1 of the submissions does not count toward it. Last evaluated 2025-12-12.

Conditions:
GNAS-related disorder. Identifiers: MedGen CN380105.

Submissions (2):

Labcorp Genetics (formerly Invitae), Labcorp
Classification: Uncertain significance. Last evaluated: 2025-12-12. Review status: criteria provided, single submitter. Criteria: Invitae Variant Classification Sherloc (09022015). Collection method: clinical testing. Allele origin: germline.
Comment: This variant occurs in a non-coding region of the GNAS gene. It does not change the encoded amino acid sequence of the GNAS protein. This variant is present in population databases (rs759745828, gnomAD 0.006%). This variant has not been reported in the literature in individuals affected with GNAS-related conditions. Experimental studies and prediction algorithms are not available or were not evaluated, and the functional significance of this variant is currently unknown. In summary, the available evidence is currently insufficient to determine the role of this variant in disease. Therefore, it has been classified as a Variant of Uncertain Significance.

PreventionGenetics, part of Exact Sciences
Classification: Likely benign for GNAS-related condition. Last evaluated: 2022-04-26. Review status: no assertion criteria provided. Collection method: clinical testing. Allele origin: germline. Not counted in ClinVar's aggregate classification.
Comment: This variant is classified as likely benign based on ACMG/AMP sequence variant interpretation guidelines (Richards et al. 2015 PMID: 25741868, with internal and published modifications).

NM_000516.7(GNAS):c.1184AAG[1] (p.Ter395=)

Gene: GNAS (GNAS complex locus; plus strand). Cytogenetic location: 20q13.32.
Variant type: Microsatellite.
Coding change: c.1184AAG[1] on transcript NM_000516.7 (MANE Select); one copy of the 3-base unit AAG starting at c.1184; the reference has two copies in a row; one copy, 3 bases deleted.
Protein change: p.Ter395=.
Molecular consequence: no sequence alteration. On other transcripts: 3 prime UTR variant (2).
Genome position (GRCh38, 1-based): chr20:58,910,831-58,910,833, AAG deleted; deleting any 3 consecutive bases within chr20:58,910,828-58,910,833 gives the same sequence; the position shown is the placement nearest the transcript's 3' end. VCF-style (leftmost placement, unchanged base first): chr20-58910827-TAAG-T. GRCh37 (hg19) VCF-style: chr20-57485882-TAAG-T.
Other names: c.1187AAG[1], p.Ter396= (NM_001077488.5); c.1139AAG[1], p.Ter380= (NM_001077489.4); c.*1045AAG[1] (NM_001077490.3); c.1007AAG[1], p.Ter336= (NM_001309840.2, NM_001309861.2); c.1088AAG[1], p.Ter363= (NM_001410912.1); c.3068AAG[1], p.Ter1023= (NM_001410913.1); c.*1090AAG[1] (NM_016592.5); c.3113AAG[1], p.Ter1038= (NM_080425.4); and 1 more.
Identifiers: ClinVar variation 3353307 (VCV003353307.2).